The following is an entry in ClinVar:

NM_001723.7(DST):c.7042T>A (p.Ser2348Thr)

Gene: DST (dystonin; minus strand). Cytogenetic location: 6p12.1.
Variant type: single nucleotide variant.
Coding change: c.7042T>A on transcript NM_001723.7 (MANE Plus Clinical); coding-DNA position 7042, T replaced by A.
Protein change: p.Ser2348Thr; replaces serine 2348 with threonine.
Molecular consequence: missense variant. On other transcripts: intron variant (10).
Genome position (GRCh38, 1-based): chr6:56,616,425, A>T on the plus strand (T>A on the coding strand, the complement: DST is on the minus strand). VCF-style: chr6-56616425-A-T. GRCh37 (hg19) VCF-style: chr6-56481223-A-T.
Other names: c.4831-1941T>A (NM_001144769.5); c.4930-1941T>A (NM_001374722.1, NM_001374736.1); c.4957-1941T>A (NM_001374734.1); c.4417-1941T>A (NM_001144770.2); c.4297-1941T>A (NM_001374730.1, NM_001386100.1, NM_183380.4 and 1 more transcripts); c.3319-1941T>A (NM_015548.5); short protein forms S2348T.
Identifiers: ClinVar variation 541433 (VCV000541433.11), dbSNP rs906479742, ClinGen allele CA139207638.
Genomic context (GRCh38, chr6:56,616,425, plus strand): 5'-CAAGATATATACTTTTCTCAATCAGGTTTCTCTGGAAAGCCTCATACACGGTCAATTCTG[A>T]TCCTGTTTTAGTATCTACTACAGAAATTCTATGTGTTTTCTTGACATTGAGATTGGAAAT-3'
Protein context (NP_001714.1, residues 2338-2358): RISVVDTKTG[Ser2348Thr]ELTVYEAFQR

ClinVar aggregate classification (germline): Uncertain significance (1 of 4 stars; one submission).

Conditions:
Hereditary sensory and autonomic neuropathy type 6. Also called: HSAN VI; Neuropathy, hereditary sensory and autonomic, type VI. Identifiers: Orphanet 314381, MedGen C3539003, MONDO:0013839, OMIM 614653.
Epidermolysis bullosa simplex 3, localized or generalized intermediate, with BP230 deficiency (EBS3). Also called: Epidermolysis bullosa simplex, autosomal recessive 2; Epidermolysis bullosa simplex due to BP230 deficiency. Identifiers: Orphanet 412181, MedGen C3809470, MONDO:0014180, OMIM 615425.

Allele frequency attached by ClinVar (database versions not stated): TOPMed below 0.00001.

Submission:

Labcorp Genetics (formerly Invitae), Labcorp
Classification: Uncertain significance for Epidermolysis bullosa simplex 3, localized or generalized intermediate, with BP230 deficiency; Hereditary sensory and autonomic neuropathy type 6. Last evaluated: 2019-09-12. Review status: criteria provided, single submitter. Criteria: Invitae Variant Classification Sherloc (09022015). Collection method: clinical testing. Allele origin: germline.
Comment: In summary, the available evidence is currently insufficient to determine the role of this variant in disease. Therefore, it has been classified as a Variant of Uncertain Significance. This variant has not been reported in the literature in individuals with DST-related disease. This variant is not present in population databases (ExAC no frequency). This sequence change replaces serine with threonine at codon 2348 of the DST protein (p.Ser2348Thr). The serine residue is weakly conserved and there is a small physicochemical difference between serine and threonine.